The following is an entry in ClinVar:

ClinVar aggregate classification (germline): Uncertain significance (1 of 4 stars; one submission).

Submission:

Ambry Genetics
Classification: Uncertain significance. Last evaluated: 2023-01-05. Review status: criteria provided, single submitter. Criteria: Ambry Variant Classification Scheme 2023. Collection method: clinical testing. Allele origin: germline.
Comment: The p.P1625L variant (also known as c.4874C>T), located in coding exon 43 of the KIF1B gene, results from a C to T substitution at nucleotide position 4874. The proline at codon 1625 is replaced by leucine, an amino acid with similar properties. This amino acid position is conserved. In addition, the in silico prediction for this alteration is inconclusive. Since supporting evidence is limited at this time, the clinical significance of this alteration remains unclear.

NM_001365951.3(KIF1B):c.5012C>T (p.Pro1671Leu)

Gene: KIF1B (kinesin family member 1B; plus strand). Cytogenetic location: 1p36.22.
Variant type: single nucleotide variant.
Coding change: c.5012C>T on transcript NM_001365951.3 (MANE Select); coding-DNA position 5012, C replaced by T.
Protein change: p.Pro1671Leu; replaces proline 1671 with leucine.
Molecular consequence: missense variant.
Genome position (GRCh38, 1-based): chr1:10,374,381, C>T. VCF-style: chr1-10374381-C-T. GRCh37 (hg19) VCF-style: chr1-10434439-C-T.
Other names: c.5012C>T, p.Pro1671Leu (NM_001365952.1); c.4874C>T, p.Pro1625Leu (NM_015074.3); short protein forms P1625L, P1671L.
Identifiers: ClinVar variation 2448747 (VCV002448747.2), dbSNP rs2521977768, ClinGen allele CA338329179.